The following is an entry in ClinVar:

ClinVar aggregate classification (germline): Likely benign. Review status: criteria provided, multiple submitters, no conflicts (2 of 4 stars). 2 submissions from 2 submitters: Likely benign (2). Last evaluated 2025-06-30.

Conditions:
PKHD1-related disorder. Also called: PKHD1-related condition.
Autosomal recessive polycystic kidney disease (ARPKD). Also called: AR polycystic kidney disease. Identifiers: Orphanet 731, Orphanet 8378, MedGen C0085548, MeSH D017044, MONDO:0009889.

Allele frequency attached by ClinVar (database versions not stated): gnomAD exomes below 0.00001 and 0.00002; gnomAD 0.00002.
gnomAD v4.1: 32 of 1,608,498 alleles (0.002%); highest among the groups gnomAD compares: African/African-American, 0.0027%; no homozygotes.

Submissions (2):

PreventionGenetics, part of Exact Sciences
Classification: Likely benign for PKHD1-related condition. Last evaluated: 2025-06-30. Review status: criteria provided, single submitter. Criteria: ACMG Guidelines, 2015. Collection method: clinical testing. Allele origin: germline.
Comment: This variant is classified as likely benign based on ACMG/AMP sequence variant interpretation guidelines (Richards et al. 2015 PMID: 25741868, with internal and published modifications).

Labcorp Genetics (formerly Invitae), Labcorp
Classification: Likely benign for Autosomal recessive polycystic kidney disease. Last evaluated: 2024-01-15. Review status: criteria provided, single submitter. Criteria: Invitae Variant Classification Sherloc (09022015). Collection method: clinical testing. Allele origin: germline.

NM_138694.4(PKHD1):c.11786-9T>C

Gene: PKHD1 (PKHD1 ciliary IPT domain containing fibrocystin/polyductin; minus strand). Cytogenetic location: 6p12.3.
Variant type: single nucleotide variant.
Coding change: c.11786-9T>C on transcript NM_138694.4 (MANE Select); 9 bases into the intron before coding-DNA position 11786, T replaced by C.
Molecular consequence: intron variant.
Genome position (GRCh38, 1-based): chr6:51,619,529, A>G on the plus strand (T>C on the coding strand, the complement: PKHD1 is on the minus strand). VCF-style: chr6-51619529-A-G. GRCh37 (hg19) VCF-style: chr6-51484327-A-G.
Other names: c.11786-9T>C (NM_138694.3).
Identifiers: ClinVar variation 1097962 (VCV001097962.10), dbSNP rs1386151581, ClinGen allele CA567635971.
Genomic context (GRCh38, chr6:51,619,529, plus strand): 5'-AACTGGTGGGGGCACTGGTTCACCTTGCCCAGCATGACCTTCATTCTCATATCTGGGGGG[A>G]AAAGAAATAGGGGAAGAAATGGATTTAGTTTTCAACCAGTTAATTACACATTTTGCATAC-3'